The following is an entry in ClinVar:

ClinVar aggregate classification (germline): Pathogenic (1 of 4 stars; one submission).

Submission:

Labcorp Genetics (formerly Invitae), Labcorp
Classification: Pathogenic. Last evaluated: 2022-06-08. Review status: criteria provided, single submitter. Criteria: Invitae Variant Classification Sherloc (09022015). Collection method: clinical testing. Allele origin: germline.
Comment: This variant is not present in population databases (gnomAD no frequency). For these reasons, this variant has been classified as Pathogenic. This premature translational stop signal has been observed in individual(s) with clinical features of Usher syndrome (PMID: 29655801). This sequence change creates a premature translational stop signal (p.Gly601Glufs*35) in the USH2A gene. It is expected to result in an absent or disrupted protein product. Loss-of-function variants in USH2A are known to be pathogenic (PMID: 10729113, 10909849, 20507924, 25649381).

Literature cited by the submitters: PubMed 29655801; PubMed 10729113; PubMed 10909849; PubMed 20507924; PubMed 25649381.

NM_206933.4(USH2A):c.1802del (p.Gly601fs)

Gene: USH2A (usherin; minus strand). Cytogenetic location: 1q41.
Variant type: Deletion.
Coding change: c.1802del on transcript NM_206933.4 (MANE Select); coding-DNA position 1802, one base deleted (G; older notation c.1802delG).
Protein change: p.Gly601fs; shifts the reading frame from glycine 601.
Molecular consequence: frameshift variant.
Genome position (GRCh38, 1-based): chr1:216,292,213, C deleted on the plus strand (G on the coding strand, the reverse complement: USH2A is on the minus strand); the first of 5 consecutive C bases (chr1:216,292,213-216,292,217); deleting any one gives the same sequence. VCF-style (leftmost placement, unchanged base first): chr1-216292212-TC-T. GRCh37 (hg19) VCF-style: chr1-216465554-TC-T.
Other names: c.1802del, p.Gly601fs (NM_007123.6); short protein forms G601fs.
Identifiers: ClinVar variation 2003487 (VCV002003487.4), dbSNP rs2528256357, ClinGen allele CA2580062156.
Genomic context (GRCh38, chr1:216,292,212, plus strand): 5'-TCAGGAATTTATTTGCTACTTACCTGTAGTGTTATGCTCACAATCATCACAAACTCCTCC[TC>T]CCCCTCTGAAGTGCTCAAAAGGAAATGGGTCTACAGAGATGTTGTAATGGCAGCTTTTGG-3'